The following is an entry in ClinVar:

ClinVar aggregate classification (germline): Uncertain significance (1 of 4 stars; one submission).

Conditions:
Inflammatory bowel disease 25. Also called: Inflammatory bowel disease 25, early onset, autosomal recessive. Identifiers: Orphanet 238569, MedGen C2675508, MONDO:0012941, OMIM 612567.

Allele frequency attached by ClinVar (database versions not stated): gnomAD exomes below 0.00001; TOPMed below 0.00001.
gnomAD v4.1: 3 of 1,613,958 alleles (0.00019%); highest among the groups gnomAD compares: Non-Finnish European, 0.00025%; no homozygotes.

Submission:

Labcorp Genetics (formerly Invitae), Labcorp
Classification: Uncertain significance for Inflammatory bowel disease 25. Last evaluated: 2024-02-08. Review status: criteria provided, single submitter. Criteria: Invitae Variant Classification Sherloc (09022015). Collection method: clinical testing. Allele origin: germline.
Comment: This sequence change replaces glutamine, which is neutral and polar, with arginine, which is basic and polar, at codon 264 of the IL10RB protein (p.Gln264Arg). This variant is not present in population databases (gnomAD no frequency). This variant has not been reported in the literature in individuals affected with IL10RB-related conditions. ClinVar contains an entry for this variant (Variation ID: 2010836). Advanced modeling of protein sequence and biophysical properties (such as structural, functional, and spatial information, amino acid conservation, physicochemical variation, residue mobility, and thermodynamic stability) performed at Invitae indicates that this missense variant is not expected to disrupt IL10RB protein function with a negative predictive value of 80%. In summary, the available evidence is currently insufficient to determine the role of this variant in disease. Therefore, it has been classified as a Variant of Uncertain Significance.

NM_000628.5(IL10RB):c.791A>G (p.Gln264Arg)

Genes: IFNAR2-IL10RB (IFNAR2-IL10RB readthrough; plus strand), IL10RB (interleukin 10 receptor subunit beta; plus strand). Cytogenetic location: 21q22.11.
Variant type: single nucleotide variant.
Coding change: c.791A>G on transcript NM_000628.5 (MANE Select); coding-DNA position 791, A replaced by G.
Protein change: p.Gln264Arg; replaces glutamine 264 with arginine.
Molecular consequence: missense variant. On other transcripts: non-coding transcript variant (1), intron variant (1).
Genome position (GRCh38, 1-based): chr21:33,288,248, A>G. VCF-style: chr21-33288248-A-G. GRCh37 (hg19) VCF-style: chr21-34660553-A-G.
Other names: c.1451A>G, p.Gln484Arg (NM_001414505.1); c.791A>G, p.Gln264Arg (NM_001405849.1, NM_001405850.1); c.646+5007A>G (NM_001406840.1); short protein forms Q484R, Q264R.
Identifiers: ClinVar variation 2010836 (VCV002010836.4), dbSNP rs1989413983, ClinGen allele CA410111651.
Genomic context (GRCh38, chr21:33,288,248, plus strand): 5'-TGCTGTGGTGCGTTTACAAGAAGACAAAGTACGCCTTCTCCCCTAGGAATTCTCTTCCAC[A>G]GCACCTGAAAGAGGTAGGTAGGATGGAGTGAGATGTGGATTTGAAAACCTTGATCGGAAA-3'
Protein context (NP_000619.3, residues 254-274): YAFSPRNSLP[Gln264Arg]HLKEFLGHPH